The following is an entry in ClinVar:

ClinVar aggregate classification (germline): Likely benign. Review status: criteria provided, multiple submitters, no conflicts (2 of 4 stars). 3 submissions from 3 submitters: Likely benign (3). Last evaluated 2025-11-22.

Conditions:
Hereditary cancer-predisposing syndrome. Also called: Hereditary neoplastic syndrome; Hereditary Cancer Syndrome; Neoplastic Syndromes, Hereditary; Tumor predisposition. Identifiers: Orphanet 140162, MedGen C0027672, MeSH D009386, MONDO:0015356.

Submissions (3):

Labcorp Genetics (formerly Invitae), Labcorp
Classification: Likely benign. Last evaluated: 2025-11-22. Review status: criteria provided, single submitter. Criteria: Invitae Variant Classification Sherloc (09022015). Collection method: clinical testing. Allele origin: germline.

Ambry Genetics
Classification: Likely benign for Hereditary cancer-predisposing syndrome. Last evaluated: 2018-07-19. Review status: criteria provided, single submitter. Criteria: Ambry Variant Classification Scheme 2023. Collection method: clinical testing. Allele origin: germline.

GeneDx
Classification: Likely benign. Last evaluated: 2017-06-26. Review status: criteria provided, single submitter. Criteria: GeneDx Variant Classification (06012015). Collection method: clinical testing. Allele origin: germline. Affected: yes.
Comment: This variant is considered likely benign or benign based on one or more of the following criteria: it is a conservative change, it occurs at a poorly conserved position in the protein, it is predicted to be benign by multiple in silico algorithms, and/or has population frequency not consistent with disease.

NM_006231.4(POLE):c.3999T>C (p.Ile1333=)

Gene: POLE (DNA polymerase epsilon, catalytic subunit; minus strand). Cytogenetic location: 12q24.33.
Variant type: single nucleotide variant.
Coding change: c.3999T>C on transcript NM_006231.4 (MANE Select); coding-DNA position 3999, T replaced by C.
Protein change: p.Ile1333=; no amino-acid change (isoleucine 1333 retained).
Molecular consequence: synonymous variant.
Genome position (GRCh38, 1-based): chr12:132,649,312, A>G on the plus strand (T>C on the coding strand, the complement: POLE is on the minus strand). VCF-style: chr12-132649312-A-G. GRCh37 (hg19) VCF-style: chr12-133225898-A-G.
Identifiers: ClinVar variation 510482 (VCV000510482.12), dbSNP rs929039052, ClinGen allele CA482849180.
Genomic context (GRCh38, chr12:132,649,312, plus strand): 5'-CCTCCCTGGGCCATCAGCAGAGCCACTGCCCTCCCCTTGGATCAAGGTCTATACCTGCAC[A>G]ATCTGCCACGGAAGGTCCAGGATGCTGCGGGCAGTTCTTCGCAAGAAGCTCCCCAGCCCC-3'
Protein context (NP_006222.2, residues 1323-1343): ARSILDLPWQ[Ile1333=]VQISETSQAG